The following is an entry in ClinVar:

NM_006231.4(POLE):c.3502C>T (p.His1168Tyr)

Gene: POLE (DNA polymerase epsilon, catalytic subunit; minus strand). Cytogenetic location: 12q24.33.
Variant type: single nucleotide variant.
Coding change: c.3502C>T on transcript NM_006231.4 (MANE Select); coding-DNA position 3502, C replaced by T.
Protein change: p.His1168Tyr; replaces histidine 1168 with tyrosine.
Molecular consequence: missense variant.
Genome position (GRCh38, 1-based): chr12:132,657,216, G>A on the plus strand (C>T on the coding strand, the complement: POLE is on the minus strand). VCF-style: chr12-132657216-G-A. GRCh37 (hg19) VCF-style: chr12-133233802-G-A.
Other names: short protein forms H1168Y.
Identifiers: ClinVar variation 1732084 (VCV001732084.2), dbSNP rs2138657027, ClinGen allele CA387388627.

ClinVar aggregate classification (germline): Uncertain significance (1 of 4 stars; one submission).

Conditions:
Hereditary cancer-predisposing syndrome. Also called: Neoplastic Syndromes, Hereditary; Tumor predisposition; Hereditary Cancer Syndrome; Hereditary neoplastic syndrome. Identifiers: Orphanet 140162, MedGen C0027672, MeSH D009386, MONDO:0015356.

Allele frequency attached by ClinVar (database versions not stated): gnomAD exomes below 0.00001.
gnomAD v4.1: 3 of 1,613,922 alleles (0.00019%); highest among the groups gnomAD compares: Non-Finnish European, 0.00025%; no homozygotes.

Submission:

Ambry Genetics
Classification: Uncertain significance for Hereditary cancer-predisposing syndrome. Last evaluated: 2021-10-12. Review status: criteria provided, single submitter. Criteria: Ambry Variant Classification Scheme 2023. Collection method: clinical testing. Allele origin: germline.
Comment: The p.H1168Y variant (also known as c.3502C>T), located in coding exon 29 of the POLE gene, results from a C to T substitution at nucleotide position 3502. The histidine at codon 1168 is replaced by tyrosine, an amino acid with similar properties. This amino acid position is conserved. In addition, the in silico prediction for this alteration is inconclusive. Since supporting evidence is limited at this time, the clinical significance of this alteration remains unclear.